The following is an entry in ClinVar:

ClinVar aggregate classification (germline): Uncertain significance (1 of 4 stars; one submission).

Conditions:
Pheochromocytoma. Also called: MAX-Related Hereditary Paraganglioma-Pheochromocytoma Syndrome. Identifiers: Orphanet 29072, MedGen C0031511, MONDO:0008233, OMIM 171300, HP:0002666.

Submission:

OLLIN Analises Genomicas, OLLIN
Classification: Uncertain significance for Pheochromocytoma. Last evaluated: 2026-08-06. Review status: criteria provided, single submitter. Criteria: ACMG Guidelines 2015 PMID 25741868. Collection method: clinical testing. Allele origin: germline. Inheritance: Autosomal dominant inheritance.
Comment: This missense variant, located in exon 4 (of 5), is absent from gnomAD and ClinVar and has not been identified in the literature. In silico analysis is inconclusive regarding the impact of this variant. According to the currently available evidence, this variant has been classified as uncertain significance (PVS1_S, PM2_P).

NM_002382.5(MAX):c.286G>A (p.Glu96Lys)

Gene: MAX (MYC associated transcriptional regulator X; minus strand). Cytogenetic location: 14q23.3.
Variant type: single nucleotide variant.
Coding change: c.286G>A on transcript NM_002382.5 (MANE Select); coding-DNA position 286, G replaced by A.
Protein change: p.Glu96Lys; replaces glutamic acid 96 with lysine.
Molecular consequence: missense variant. On other transcripts: nonsense (4), 5 prime UTR variant (2), non-coding transcript variant (7), intron variant (2).
Genome position (GRCh38, 1-based): chr14:65,077,922, C>T on the plus strand (G>A on the coding strand, the complement: MAX is on the minus strand). VCF-style: chr14-65077922-C-T. GRCh37 (hg19) VCF-style: chr14-65544640-C-T.
Other names: c.12G>A, p.Trp4Ter (NM_001320415.2, NM_001407105.1, NM_001407106.1 and 1 more transcripts); c.286G>A, p.Glu96Lys (NM_001407094.1, NM_001407096.1, NM_001407097.1 and 3 more transcripts); c.259G>A, p.Glu87Lys (NM_001407095.1, NM_001407099.1, NM_001407100.1 and 6 more transcripts); c.178G>A, p.Glu60Lys (NM_001407098.1); c.-82G>A (NM_001407111.1, NM_001407112.1); c.144+15786G>A (NM_001271069.2); c.171+15786G>A (NM_197957.4); short protein forms E60K, E87K, E96K, W4*.
Identifiers: ClinVar variation 5002771 (VCV005002771.1).